The following is an entry in ClinVar:

ClinVar aggregate classification (germline): Uncertain significance. Review status: criteria provided, multiple submitters, no conflicts (2 of 4 stars). 6 submissions from 6 submitters: Uncertain significance (6). Last evaluated 2025-06-23.

Conditions:
Lynch syndrome. Identifiers: Orphanet 144, MedGen C4552100, MONDO:0005835. Disease mechanism: loss of function.
Lynch syndrome 4 (LYNCH4). Also called: Colorectal cancer, hereditary nonpolyposis, type 4; Hereditary non-polyposis colorectal cancer, type 4. Identifiers: Orphanet 144, MedGen C1838333, MONDO:0013699, OMIM 614337. Disease mechanism: loss of function.
Mismatch repair cancer syndrome 4. Identifiers: MedGen C5436817, MONDO:0030843, OMIM 619101.
Hereditary nonpolyposis colorectal neoplasms. Identifiers: MedGen C0009405, MeSH D003123.
Hereditary cancer-predisposing syndrome. Also called: Tumor predisposition; Hereditary neoplastic syndrome; Neoplastic Syndromes, Hereditary; Hereditary Cancer Syndrome. Identifiers: Orphanet 140162, MedGen C0027672, MeSH D009386, MONDO:0015356.

Allele frequency attached by ClinVar (database versions not stated): gnomAD exomes below 0.00001.
gnomAD v4.1: 5 of 1,603,762 alleles (0.00031%); highest among the groups gnomAD compares: Non-Finnish European, 0.00043%; no homozygotes.

Submissions (6):

Color Diagnostics, LLC DBA Color Health
Classification: Uncertain significance for Hereditary cancer-predisposing syndrome. Last evaluated: 2025-06-23. Review status: criteria provided, single submitter. Criteria: ACMG Guidelines, 2015. Collection method: clinical testing. Allele origin: germline.
Comment: This missense variant replaces alanine with threonine at codon 389 of the PMS2 protein. Computational prediction suggests that this variant may not impact protein structure and function. To our knowledge, functional studies have not been reported for this variant. This variant has not been reported in individuals affected with PMS2-related disorders in the literature. This variant has been identified in 1/246700 chromosomes in the general population by the Genome Aggregation Database (gnomAD). The available evidence is insufficient to determine the role of this variant in disease conclusively. Therefore, this variant is classified as a Variant of Uncertain Significance.

Ambry Genetics
Classification: Uncertain significance for Hereditary cancer-predisposing syndrome. Last evaluated: 2024-09-06. Review status: criteria provided, single submitter. Criteria: Ambry Variant Classification Scheme 2023. Collection method: clinical testing. Allele origin: germline.
Comment: The p.A389T variant (also known as c.1165G>A), located in coding exon 11 of the PMS2 gene, results from a G to A substitution at nucleotide position 1165. The alanine at codon 389 is replaced by threonine, an amino acid with similar properties. This amino acid position is poorly conserved in available vertebrate species. In addition, this alteration is predicted to be tolerated by in silico analysis. Based on the available evidence, the clinical significance of this variant remains unclear.

Labcorp Genetics (formerly Invitae), Labcorp
Classification: Uncertain significance for Hereditary nonpolyposis colorectal neoplasms. Last evaluated: 2024-08-27. Review status: criteria provided, single submitter. Criteria: Invitae Variant Classification Sherloc (09022015). Collection method: clinical testing. Allele origin: germline.
Comment: This sequence change replaces alanine, which is neutral and non-polar, with threonine, which is neutral and polar, at codon 389 of the PMS2 protein (p.Ala389Thr). This variant is not present in population databases (gnomAD no frequency). This variant has not been reported in the literature in individuals affected with PMS2-related conditions. ClinVar contains an entry for this variant (Variation ID: 664242). Invitae Evidence Modeling of protein sequence and biophysical properties (such as structural, functional, and spatial information, amino acid conservation, physicochemical variation, residue mobility, and thermodynamic stability) indicates that this missense variant is not expected to disrupt PMS2 protein function with a negative predictive value of 80%. In summary, the available evidence is currently insufficient to determine the role of this variant in disease. Therefore, it has been classified as a Variant of Uncertain Significance.

All of Us Research Program, National Institutes of Health
Classification: Uncertain significance for Lynch syndrome. Last evaluated: 2023-06-26. Review status: criteria provided, single submitter. Criteria: ACMG Guidelines, 2015. Collection method: clinical testing. Allele origin: germline. Inheritance: Autosomal dominant inheritance. Observed: 1 variant allele, 1 heterozygote.
Comment: This missense variant replaces alanine with threonine at codon 389 of the PMS2 protein. Computational prediction suggests that this variant may not impact protein structure and function (internally defined REVEL score threshold <= 0.5, PMID: 27666373). To our knowledge, functional studies have not been reported for this variant. This variant has not been reported in individuals affected with PMS2-related disorders in the literature. This variant has been identified in 1/246700 chromosomes in the general population by the Genome Aggregation Database (gnomAD). The available evidence is insufficient to determine the role of this variant in disease conclusively. Therefore, this variant is classified as a Variant of Uncertain Significance.

This study involves interpretation of variants in research participants for the purpose of population health screening. Participant phenotype was not available at the time of variant classification. Additional details can be found in publication PMID: 35346344, PMCID: PMC8962531

Quest Diagnostics Nichols Institute San Juan Capistrano
Classification: Uncertain significance. Last evaluated: 2022-09-08. Review status: criteria provided, single submitter. Criteria: Quest Diagnostics criteria. Collection method: clinical testing. Allele origin: unknown.
Comment: The variant has not been reported in the published literature. The frequency of this variant in the general population, 0.000004 (1/246700 chromosomes), is uninformative in assessment of its pathogenicity. Analysis of this variant using bioinformatics tools for the prediction of the effect of amino acid changes on protein structure and function yielded predictions that this variant is benign. Based on the available information, we are unable to determine the clinical significance of this variant.

Fulgent Genetics
Classification: Uncertain significance for Lynch syndrome 4; Mismatch repair cancer syndrome 4. Last evaluated: 2021-11-24. Review status: criteria provided, single submitter. Criteria: ACMG Guidelines, 2015. Collection method: clinical testing. Allele origin: unknown.

NM_000535.7(PMS2):c.1165G>A (p.Ala389Thr)

Gene: PMS2 (PMS1 homolog 2, mismatch repair system component; minus strand). Cytogenetic location: 7p22.1.
Variant type: single nucleotide variant.
Coding change: c.1165G>A on transcript NM_000535.7 (MANE Select); coding-DNA position 1165, G replaced by A.
Protein change: p.Ala389Thr; replaces alanine 389 with threonine.
Molecular consequence: missense variant. On other transcripts: non-coding transcript variant (1).
Genome position (GRCh38, 1-based): chr7:5,987,600, C>T on the plus strand (G>A on the coding strand, the complement: PMS2 is on the minus strand). VCF-style: chr7-5987600-C-T. GRCh37 (hg19) VCF-style: chr7-6027231-C-T.
Other names: c.1165G>A (NM_000535.6); c.760G>A, p.Ala254Thr (NM_001322003.2, NM_001322004.2, NM_001322005.2 and 1 more transcripts); c.1009G>A, p.Ala337Thr (NM_001322006.2); c.847G>A, p.Ala283Thr (NM_001322007.2, NM_001322008.2); c.604G>A, p.Ala202Thr (NM_001322010.2); c.232G>A, p.Ala78Thr (NM_001322011.2, NM_001322012.2); c.592G>A, p.Ala198Thr (NM_001322013.2); c.1165G>A, p.Ala389Thr (NM_001322014.2); and 1 more; short protein forms A198T, A283T, A389T, A78T, A286T, A202T, A254T, A337T.
Identifiers: ClinVar variation 664242 (VCV000664242.15), dbSNP rs1562637025, ClinGen allele CA366742657.